The following is an entry in ClinVar:

ClinVar aggregate classification (germline): Likely benign. Review status: criteria provided, single submitter (1 of 4 stars). 2 submissions from 2 submitters: Likely benign (1). 1 of the submissions does not count toward it. Last evaluated 2025-02-24.

Conditions:
Cognitive impairment - coarse facies - heart defects - obesity - pulmonary involvement - short stature - skeletal dysplasia syndrome. Also called: Chops syndrome; AFF4-Related CHOPS Syndrome; COGNITIVE IMPAIRMENT, COARSE FACIES, HEART DEFECTS, OBESITY, PULMONARY INVOLVEMENT, SHORT STATURE, AND SKELETAL DYSPLASIA. Identifiers: Orphanet 444077, MedGen C4085597, MONDO:0014609, OMIM 616368.
AFF4-related disorder. Also called: AFF4-related condition.

Allele frequency attached by ClinVar (database versions not stated): gnomAD 0.00001; TOPMed 0.00001; ExAC 0.00002; 1000 Genomes Project 30x 0.00016; 1000 Genomes Project 0.00020.
gnomAD v4.1: 38 of 1,608,662 alleles (0.0024%); highest among the groups gnomAD compares: Non-Finnish European, 0.0016%; no homozygotes.

Submissions (2):

Labcorp Genetics (formerly Invitae), Labcorp
Classification: Likely benign for Cognitive impairment - coarse facies - heart defects - obesity - pulmonary involvement - short stature - skeletal dysplasia syndrome. Last evaluated: 2025-02-24. Review status: criteria provided, single submitter. Criteria: Invitae Variant Classification Sherloc (09022015). Collection method: clinical testing. Allele origin: germline.

PreventionGenetics, part of Exact Sciences
Classification: Likely benign for AFF4-related condition. Last evaluated: 2019-09-12. Review status: no assertion criteria provided. Collection method: clinical testing. Allele origin: germline. Not counted in ClinVar's aggregate classification.
Comment: This variant is classified as likely benign based on ACMG/AMP sequence variant interpretation guidelines (Richards et al. 2015 PMID: 25741868, with internal and published modifications).

NM_014423.4(AFF4):c.1104T>C (p.Ser368=)

Gene: AFF4 (ALF transcription elongation factor 4; minus strand). Cytogenetic location: 5q31.1.
Variant type: single nucleotide variant.
Coding change: c.1104T>C on transcript NM_014423.4 (MANE Select); coding-DNA position 1104, T replaced by C.
Protein change: p.Ser368=; no amino-acid change (serine 368 retained).
Molecular consequence: synonymous variant.
Genome position (GRCh38, 1-based): chr5:132,902,471, A>G on the plus strand (T>C on the coding strand, the complement: AFF4 is on the minus strand). VCF-style: chr5-132902471-A-G. GRCh37 (hg19) VCF-style: chr5-132238163-A-G.
Other names: c.1104T>C (NM_014423.3).
Identifiers: ClinVar variation 1909115 (VCV001909115.6), dbSNP rs185566992, ClinGen allele CA3409202.